The following is an entry in ClinVar:

ClinVar aggregate classification (germline): Likely pathogenic (1 of 4 stars; one submission).

Submission:

GeneDx
Classification: Likely pathogenic. Last evaluated: 2024-12-06. Review status: criteria provided, single submitter. Criteria: GeneDx Variant Classification Process June 2021. Collection method: clinical testing. Allele origin: germline. Affected: yes.
Comment: Not observed at significant frequency in large population cohorts (gnomAD); In silico analysis supports that this missense variant has a deleterious effect on protein structure/function; This variant is associated with the following publications: (PMID: 39424163, 33883917, 34456244)

NM_001142730.3(KCTD1):c.2020A>T (p.Ile674Phe)

Gene: KCTD1 (potassium channel tetramerization domain containing 1; minus strand). Cytogenetic location: 18q11.2.
Variant type: single nucleotide variant.
Coding change: c.2020A>T on transcript NM_001142730.3 (MANE Select); coding-DNA position 2020, A replaced by T.
Protein change: p.Ile674Phe; replaces isoleucine 674 with phenylalanine.
Molecular consequence: missense variant.
Genome position (GRCh38, 1-based): chr18:26,476,628, T>A on the plus strand (A>T on the coding strand, the complement: KCTD1 is on the minus strand). VCF-style: chr18-26476628-T-A. GRCh37 (hg19) VCF-style: chr18-24056592-T-A.
Other names: c.196A>T, p.Ile66Phe (NM_001136205.2, NM_001258221.2, NM_001351443.1 and 1 more transcripts); c.220A>T, p.Ile74Phe (NM_001258222.3); short protein forms I66F, I674F, I74F.
Identifiers: ClinVar variation 3901546 (VCV003901546.1).
Genomic context (GRCh38, chr18:26,476,628, plus strand): 5'-ATCTGAACATCTGTCCATCTCTGTCAATGAAATAGTGCTGTTTGAGACTGTCCAAAACAA[T>A]GGGCTCTGTACCATCAAAAAGTCTTCCGATTCTGTGATAGAAAAGAGGGAACAGTGAAGA-3'
Protein context (NP_001136202.1, residues 664-684): IGRLFDGTEP[Ile674Phe]VLDSLKQHYF